The following is an entry in ClinVar:

ClinVar aggregate classification (germline): Uncertain significance (1 of 4 stars; one submission).

Conditions:
DST-related disorder. Also called: DST-related condition; DST-related disorders.

gnomAD v4.1: 4 of 1,613,928 alleles (0.00025%); highest among the groups gnomAD compares: Admixed American, 0.0017%; no homozygotes.

Submission:

PreventionGenetics, part of Exact Sciences
Classification: Uncertain significance for DST-related condition. Last evaluated: 2026-03-24. Review status: criteria provided, single submitter. Criteria: ACMG Guidelines, 2015. Collection method: clinical testing. Allele origin: germline.
Comment: The DST c.1175A>G variant is predicted to result in the amino acid substitution p.Lys392Arg. To our knowledge, this variant has not been reported in the literature or in a large population database (gnomAD), indicating this variant is rare. At this time, the clinical significance of this variant is uncertain due to the absence of conclusive functional and genetic evidence.

NM_001374736.1(DST):c.2786A>G (p.Lys929Arg)

Gene: DST (dystonin; minus strand). Cytogenetic location: 6p12.1.
Variant type: single nucleotide variant.
Coding change: c.2786A>G on transcript NM_001374736.1 (MANE Select); coding-DNA position 2786, A replaced by G.
Protein change: p.Lys929Arg; replaces lysine 929 with arginine.
Molecular consequence: missense variant.
Genome position (GRCh38, 1-based): chr6:56,639,523, T>C on the plus strand (A>G on the coding strand, the complement: DST is on the minus strand). VCF-style: chr6-56639523-T-C. GRCh37 (hg19) VCF-style: chr6-56504321-T-C.
Other names: c.2687A>G, p.Lys896Arg (NM_001144769.5); c.2273A>G, p.Lys758Arg (NM_001144770.2); c.2786A>G, p.Lys929Arg (NM_001374722.1); c.2153A>G, p.Lys718Arg (NM_001374729.1, NM_001374730.1, NM_001386100.1 and 1 more transcripts); c.2813A>G, p.Lys938Arg (NM_001374734.1); c.1175A>G, p.Lys392Arg (NM_001723.7, NM_015548.5); short protein forms K392R, K758R, K929R, K938R, K718R, K896R.
Identifiers: ClinVar variation 4977586 (VCV004977586.1).